The following is an entry in ClinVar:

NM_022489.4(INF2):c.1582C>T (p.Pro528Ser)

Gene: INF2 (inverted formin 2; plus strand). Cytogenetic location: 14q32.33.
Variant type: single nucleotide variant.
Coding change: c.1582C>T on transcript NM_022489.4 (MANE Select); coding-DNA position 1582, C replaced by T.
Protein change: p.Pro528Ser; replaces proline 528 with serine.
Molecular consequence: missense variant.
Genome position (GRCh38, 1-based): chr14:104,707,849, C>T. VCF-style: chr14-104707849-C-T. GRCh37 (hg19) VCF-style: chr14-105174186-C-T.
Other names: c.1582C>T, p.Pro528Ser (NM_001031714.4); short protein forms P528S.
Identifiers: ClinVar variation 312689 (VCV000312689.58), dbSNP rs181694819, ClinGen allele CA7372594.

ClinVar aggregate classification (germline): Benign/Likely benign. Review status: criteria provided, multiple submitters, no conflicts (2 of 4 stars). 12 submissions from 12 submitters: Benign (8); Likely benign (2). 2 of the submissions do not count toward it. Last evaluated 2026-09-01.

Conditions:
Focal segmental glomerulosclerosis 5 (FSGS5). Identifiers: Orphanet 656, MedGen C2750475, MONDO:0013191, OMIM 613237.
Charcot-Marie-Tooth disease dominant intermediate E. Also called: CHARCOT-MARIE-TOOTH NEUROPATHY WITH FOCAL SEGMENTAL GLOMERULONEPHRITIS. Identifiers: Orphanet 93114, MedGen C4302667, MONDO:0013758, OMIM 614455.
Inborn genetic diseases. Identifiers: MedGen C0950123, MeSH D030342.

Allele frequency attached by ClinVar (database versions not stated): 1000 Genomes Project 30x 0.00359; 1000 Genomes Project 0.00379; ESP Exome Variant Server 0.00415; TOPMed 0.00512.
gnomAD v4.1: 10,369 of 1,604,686 alleles (0.65%); highest among the groups gnomAD compares: Middle Eastern, 0.78%; 48 homozygotes.

Submissions (12):

CeGaT Center for Human Genetics Tuebingen
Classification: Benign. Last evaluated: 2026-09-01. Review status: criteria provided, single submitter. Criteria: CeGaT Center For Human Genetics Tuebingen Variant Classification Criteria Version 2. Collection method: clinical testing. Allele origin: germline. Affected: yes. Observed: 38 variant alleles.
Comment: INF2: BP4, BS1, BS2

Labcorp Genetics (formerly Invitae), Labcorp
Classification: Benign for Charcot-Marie-Tooth disease dominant intermediate E; Focal segmental glomerulosclerosis 5. Last evaluated: 2026-02-02. Review status: criteria provided, single submitter. Criteria: Invitae Variant Classification Sherloc (09022015). Collection method: clinical testing. Allele origin: germline.

Blueprint Genetics
Classification: Likely benign. Last evaluated: 2024-11-26. Review status: criteria provided, single submitter. Criteria: ACMG Guidelines, 2015. Collection method: clinical testing. Allele origin: germline.

Mayo Clinic Laboratories, Mayo Clinic
Classification: Benign. Last evaluated: 2024-09-24. Review status: criteria provided, single submitter. Criteria: ACMG Guidelines, 2015. Collection method: clinical testing. Allele origin: germline. Observed: 40 variant alleles.
Comment: BP4

Athena Diagnostics
Classification: Benign. Last evaluated: 2024-07-30. Review status: criteria provided, single submitter. Criteria: Athena Diagnostics Criteria. Collection method: clinical testing. Allele origin: unknown.

ARUP Laboratories, Molecular Genetics and Genomics, ARUP Laboratories
Classification: Benign. Last evaluated: 2023-10-06. Review status: criteria provided, single submitter. Criteria: ARUP Molecular Germline Variant Investigation Process 2024. Collection method: clinical testing. Allele origin: germline.

Ambry Genetics
Classification: Likely benign for Inborn genetic diseases. Last evaluated: 2019-08-28. Review status: criteria provided, single submitter. Criteria: Ambry Variant Classification Scheme 2023. Collection method: clinical testing. Allele origin: germline.

Illumina Laboratory Services, Illumina
Classification: Benign for Focal segmental glomerulosclerosis 5. Last evaluated: 2018-01-13. Review status: criteria provided, single submitter. Criteria: ICSL Variant Classification Criteria 13 December 2019. Collection method: clinical testing. Allele origin: germline.
Comment: This variant was observed in the ICSL laboratory as part of a predisposition screen in an ostensibly healthy population. It had not been previously curated by ICSL or reported in the Human Gene Mutation Database (HGMD: prior to June 1st, 2018), and was therefore a candidate for classification through an automated scoring system. Utilizing variant allele frequency, disease prevalence and penetrance estimates, and inheritance mode, an automated score was calculated to assess if this variant is too frequent to cause the disease. Based on the score and internal cut-off values, a variant classified as benign is not then subjected to further curation. The score for this variant resulted in a classification of benign for this disease.

GeneDx
Classification: Benign. Last evaluated: 2016-07-29. Review status: criteria provided, single submitter. Criteria: GeneDx Variant Classification (06012015). Collection method: clinical testing. Allele origin: germline. Affected: yes.
Comment: This variant is considered likely benign or benign based on one or more of the following criteria: it is a conservative change, it occurs at a poorly conserved position in the protein, it is predicted to be benign by multiple in silico algorithms, and/or has population frequency not consistent with disease.

Breakthrough Genomics
Classification: Benign. Review status: criteria provided, single submitter. Criteria: ACMG Guidelines, 2015. Collection method: not provided. Allele origin: germline. Inheritance: Autosomal dominant inheritance. Affected: yes.

Clinical Genetics, Academic Medical Center
Classification: Benign. Review status: no assertion criteria provided. Collection method: clinical testing. Allele origin: germline. Affected: yes. Study: VKGL Data-share Consensus. Not counted in ClinVar's aggregate classification.

Genome Diagnostics Laboratory, University Medical Center Utrecht
Classification: Benign. Review status: no assertion criteria provided. Collection method: clinical testing. Allele origin: germline. Affected: yes. Study: VKGL Data-share Consensus. Not counted in ClinVar's aggregate classification.

Literature cited by the submitters: PubMed 30126379 (cited by Athena Diagnostics).